The following is an entry in ClinVar:

ClinVar aggregate classification (germline): Uncertain significance. Review status: criteria provided, multiple submitters, no conflicts (2 of 4 stars). 2 submissions from 2 submitters: Uncertain significance (2). Last evaluated 2023-03-20.

Conditions:
Severe combined immunodeficiency due to DNA-PKcs deficiency. Also called: IMMUNODEFICIENCY 26 WITH NEUROLOGIC ABNORMALITIES; Immunodeficiency 26 with or without neurologic abnormalities. Identifiers: Orphanet 317425, MedGen C4014833, MONDO:0014423, OMIM 615966.

Allele frequency attached by ClinVar (database versions not stated): gnomAD exomes 0.00001; TOPMed 0.00001; ExAC 0.00002.
gnomAD v4.1: 10 of 1,613,702 alleles (0.00062%); highest among the groups gnomAD compares: East Asian, 0.0022%; no homozygotes.

Submissions (2):

Ambry Genetics
Classification: Uncertain significance. Last evaluated: 2023-03-20. Review status: criteria provided, single submitter. Criteria: Ambry Variant Classification Scheme 2023. Collection method: clinical testing. Allele origin: germline.
Comment: The p.R1062Q variant (also known as c.3185G>A), located in coding exon 27 of the PRKDC gene, results from a G to A substitution at nucleotide position 3185. The arginine at codon 1062 is replaced by glutamine, an amino acid with highly similar properties. This amino acid position is conserved. In addition, the in silico prediction for this alteration is inconclusive. Since supporting evidence is limited at this time, the clinical significance of this alteration remains unclear.

Labcorp Genetics (formerly Invitae), Labcorp
Classification: Uncertain significance for Severe combined immunodeficiency due to DNA-PKcs deficiency. Last evaluated: 2022-07-21. Review status: criteria provided, single submitter. Criteria: Invitae Variant Classification Sherloc (09022015). Collection method: clinical testing. Allele origin: germline.
Comment: This variant has not been reported in the literature in individuals affected with PRKDC-related conditions. In summary, the available evidence is currently insufficient to determine the role of this variant in disease. Therefore, it has been classified as a Variant of Uncertain Significance. Experimental studies and prediction algorithms are not available or were not evaluated, and the functional significance of this variant is currently unknown. This variant is not present in population databases (gnomAD no frequency). This sequence change replaces arginine, which is basic and polar, with glutamine, which is neutral and polar, at codon 1062 of the PRKDC protein (p.Arg1062Gln).

NM_006904.7(PRKDC):c.3185G>A (p.Arg1062Gln)

Gene: PRKDC (protein kinase, DNA-activated, catalytic subunit; minus strand). Cytogenetic location: 8q11.21.
Variant type: single nucleotide variant.
Coding change: c.3185G>A on transcript NM_006904.7 (MANE Select); coding-DNA position 3185, G replaced by A.
Protein change: p.Arg1062Gln; replaces arginine 1062 with glutamine.
Molecular consequence: missense variant.
Genome position (GRCh38, 1-based): chr8:47,902,653, C>T on the plus strand (G>A on the coding strand, the complement: PRKDC is on the minus strand). VCF-style: chr8-47902653-C-T. GRCh37 (hg19) VCF-style: chr8-48815213-C-T.
Other names: c.3185G>A, p.Arg1062Gln (NM_001081640.2); short protein forms R1062Q.
Identifiers: ClinVar variation 2170603 (VCV002170603.5), dbSNP rs754562476, ClinGen allele CA4741254.
Genomic context (GRCh38, chr8:47,902,653, plus strand): 5'-AAGGCAAGTGATGCTCCCAGCCTCTTGAAAGCATTGGGGTGAAGCGCAAGGCTATAAAGT[C>T]GCTTGAAAAGCGATTTGGTGTTTACTGGACTCTTCTCCTGCTGCTGTGGTGTTATTTGCT-3'
Protein context (NP_008835.5, residues 1052-1072): SPVNTKSLFK[Arg1062Gln]LYSLALHPNA